The following is an entry in ClinVar:

ClinVar aggregate classification (germline): Uncertain significance (1 of 4 stars; one submission).

Conditions:
Inborn genetic diseases. Identifiers: MedGen C0950123, MeSH D030342.

Submission:

Ambry Genetics
Classification: Uncertain significance for Inborn genetic diseases. Last evaluated: 2025-09-04. Review status: criteria provided, single submitter. Criteria: Ambry Variant Classification Scheme 2023. Collection method: clinical testing. Allele origin: germline.
Comment: The p.Q424E variant (also known as c.1270C>G), located in coding exon 10 of the CEP57 gene, results from a C to G substitution at nucleotide position 1270. The glutamine at codon 424 is replaced by glutamic acid, an amino acid with highly similar properties. This amino acid position is conserved. In addition, this alteration is predicted to be tolerated by in silico analysis. Based on the available evidence, the clinical significance of this variant remains unclear.

NM_014679.5(CEP57):c.1270C>G (p.Gln424Glu)

Gene: CEP57 (centrosomal protein 57; plus strand). Cytogenetic location: 11q21.
Variant type: single nucleotide variant.
Coding change: c.1270C>G on transcript NM_014679.5 (MANE Select); coding-DNA position 1270, C replaced by G.
Protein change: p.Gln424Glu; replaces glutamine 424 with glutamic acid.
Molecular consequence: missense variant.
Genome position (GRCh38, 1-based): chr11:95,829,329, C>G. VCF-style: chr11-95829329-C-G. GRCh37 (hg19) VCF-style: chr11-95562493-C-G.
Other names: c.973C>G, p.Gln325Glu (NM_001440881.1); c.967C>G, p.Gln323Glu (NM_001440882.1); c.1243C>G, p.Gln415Glu (NM_001243776.2); c.1192C>G, p.Gln398Glu (NM_001243777.2); c.1189C>G, p.Gln397Glu (NM_001363604.2, NM_001440869.1, NM_001440870.1); c.1162C>G, p.Gln388Glu (NM_001440871.1); c.1153C>G, p.Gln385Glu (NM_001440872.1); c.1090C>G, p.Gln364Glu (NM_001440873.1); and 6 more; short protein forms Q323E, Q337E, Q358E, Q361E, Q388E, Q397E, Q415E, Q362E.
Identifiers: ClinVar variation 4226401 (VCV004226401.1).